The following is an entry in ClinVar:

NM_001754.5(RUNX1):c.805+12A>C

Gene: RUNX1 (RUNX family transcription factor 1; minus strand). Cytogenetic location: 21q22.12.
Variant type: single nucleotide variant.
Coding change: c.805+12A>C on transcript NM_001754.5 (MANE Select); 12 bases into the intron after coding-DNA position 805, A replaced by C.
Molecular consequence: intron variant.
Genome position (GRCh38, 1-based): chr21:34,834,398, T>G on the plus strand (A>C on the coding strand, the complement: RUNX1 is on the minus strand). VCF-style: chr21-34834398-T-G. GRCh37 (hg19) VCF-style: chr21-36206695-T-G.
Other names: c.724+12A>C (NM_001001890.3, NM_001122607.2).
Identifiers: ClinVar variation 3690597 (VCV003690597.3).

ClinVar aggregate classification (germline): Likely benign. Review status: reviewed by expert panel (3 of 4 stars). 2 submissions from 2 submitters: Likely benign (1). 1 of the submissions does not count toward it. Last evaluated 2025-05-02.

Conditions:
Hereditary thrombocytopenia and hematologic cancer predisposition syndrome. Identifiers: Orphanet 71290, MedGen CN281654, MONDO:0011071.
Hereditary thrombocytopenia and hematological cancer predisposition syndrome associated with RUNX1. Also called: Familial Platelet Disorder with Propensity to Acute Myelogenous Leukemia; Familial thrombocytopenia with propensity to acute myelogenous leukemia; PLATELET DISORDER, ASPIRIN-LIKE; RUNX1 Familial Platelet Disorder with Associated Myeloid Malignancies. Identifiers: Orphanet 71290, MedGen C1832388, MeSH C563324, MONDO:0100083, OMIM 601399.

Submissions (2):

ClinGen Myeloid Malignancy Variant Curation Expert Panel
Classification: Likely benign for Hereditary thrombocytopenia and hematologic cancer predisposition syndrome. Last evaluated: 2025-05-02. Review status: reviewed by expert panel. Criteria: ClinGen MyeloMalig ACMG Specifications v2. Collection method: curation. Allele origin: germline. Inheritance: Autosomal dominant inheritance.
Comment: NM_001754.5(RUNX1):c.805+12A>C is an intronic variant which has a SpliceAI score ≤ 0.20 (0.01) (BP4) and is predicted by evolutionary conservation algorithms to occur at a site that is not conserved (PhyloP score ≤ 2.0 (-0.23)) (BP7). This variant is completely absent from all population databases with at least 20x coverage for RUNX1 (PM2_Supporting). In summary, this variant meets criteria to be classified as likely benign. ACMG/AMP criteria applied, as specified by the Myeloid Malignancy Variant Curation Expert Panel for RUNX1: BP4, BP7, PM2_Supporting.

Labcorp Genetics (formerly Invitae), Labcorp
Classification: Likely benign for Hereditary thrombocytopenia and hematological cancer predisposition syndrome associated with RUNX1. Last evaluated: 2024-05-16. Review status: criteria provided, single submitter. Criteria: Invitae Variant Classification Sherloc (09022015). Collection method: clinical testing. Allele origin: germline. Not counted in ClinVar's aggregate classification.